The following is an entry in ClinVar:

NM_005475.3(SH2B3):c.169C>T (p.Pro57Ser)

Gene: SH2B3 (SH2B adaptor protein 3; plus strand). Cytogenetic location: 12q24.12.
Variant type: single nucleotide variant.
Coding change: c.169C>T on transcript NM_005475.3 (MANE Select); coding-DNA position 169, C replaced by T.
Protein change: p.Pro57Ser; replaces proline 57 with serine.
Molecular consequence: missense variant.
Genome position (GRCh38, 1-based): chr12:111,418,314, C>T. VCF-style: chr12-111418314-C-T. GRCh37 (hg19) VCF-style: chr12-111856118-C-T.
Other names: short protein forms P57S.
Identifiers: ClinVar variation 4826781 (VCV004826781.1).

ClinVar aggregate classification (germline): Uncertain significance (1 of 4 stars; one submission).

Conditions:
Inborn genetic diseases. Identifiers: MedGen C0950123, MeSH D030342.

Submission:

Ambry Genetics
Classification: Uncertain significance for Inborn genetic diseases. Last evaluated: 2026-03-11. Review status: criteria provided, single submitter. Criteria: Ambry Variant Classification Scheme 2023. Collection method: clinical testing. Allele origin: germline.
Comment: The p.P57S variant (also known as c.169C>T), located in coding exon 1 of the SH2B3 gene, results from a C to T substitution at nucleotide position 169. The proline at codon 57 is replaced by serine, an amino acid with similar properties. This amino acid position is conserved. In addition, this alteration is predicted to be tolerated by in silico analysis. Based on the available evidence, the clinical significance of this variant remains unclear.